The following is an entry in ClinVar:

ClinVar aggregate classification (germline): Likely benign. Review status: criteria provided, single submitter (1 of 4 stars). 2 submissions from 2 submitters: Likely benign (1). 1 of the submissions does not count toward it. Last evaluated 2024-09-23.

Conditions:
POMGNT1-related disorder. Also called: POMGNT1-related condition; POMGNT1-related disorders. Identifiers: MedGen CN239299.

Allele frequency attached by ClinVar (database versions not stated): gnomAD exomes 0.00042; ExAC 0.00082; gnomAD 0.00470; 1000 Genomes Project 30x 0.00515; 1000 Genomes Project 0.00519; TOPMed 0.00531.
gnomAD v4.1: 1,274 of 1,479,764 alleles (0.086%); highest among the groups gnomAD compares: African/African-American, 1.7%; 7 homozygotes.

Submissions (2):

Blueprint Genetics
Classification: Likely benign. Last evaluated: 2024-09-23. Review status: criteria provided, single submitter. Criteria: ACMG Guidelines, 2015. Collection method: clinical testing. Allele origin: germline.

PreventionGenetics, part of Exact Sciences
Classification: Benign for POMGNT1-related condition. Last evaluated: 2019-12-04. Review status: no assertion criteria provided. Collection method: clinical testing. Allele origin: germline. Not counted in ClinVar's aggregate classification.
Comment: This variant is classified as benign based on ACMG/AMP sequence variant interpretation guidelines (Richards et al. 2015 PMID: 25741868, with internal and published modifications).

NM_017739.4(POMGNT1):c.121-278A>G

Gene: POMGNT1 (protein O-linked mannose N-acetylglucosaminyltransferase 1 (beta 1,2-); minus strand). Cytogenetic location: 1p34.1.
Variant type: single nucleotide variant.
Coding change: c.121-278A>G on transcript NM_017739.4 (MANE Select); 278 bases into the intron before coding-DNA position 121, A replaced by G.
Molecular consequence: intron variant. On other transcripts: 5 prime UTR variant (1).
Genome position (GRCh38, 1-based): chr1:46,197,362, T>C on the plus strand (A>G on the coding strand, the complement: POMGNT1 is on the minus strand). VCF-style: chr1-46197362-T-C. GRCh37 (hg19) VCF-style: chr1-46663034-T-C.
Other names: c.-1A>G (NM_001290129.3); c.-330A>G (NM_001290130.2); c.121-278A>G (NM_001243766.2, NM_001410783.1).
Identifiers: ClinVar variation 3041831 (VCV003041831.3), dbSNP rs181093407, ClinGen allele CA833867.
Genomic context (GRCh38, chr1:46,197,362, plus strand): 5'-CCCTACCCAGTGCTCCTGTATTCTTCTATTTGAGACCTTGATTTCCTTGGTCCCCTCCAT[T>C]GTTGGTTTCTAGAGATGGAGCCAGGCCCAGGGACCCAAGCGGGGGATCAGACCTGGGTCC-3'